The following is an entry in ClinVar:

ClinVar aggregate classification (germline): Uncertain significance. Review status: criteria provided, multiple submitters, no conflicts (2 of 4 stars). 2 submissions from 2 submitters: Uncertain significance (2). Last evaluated 2025-10-31.

Conditions:
Noonan syndrome 9 (NS9). Identifiers: Orphanet 648, MedGen C4225282, MONDO:0014691, OMIM 616559.

Allele frequency attached by ClinVar (database versions not stated): gnomAD exomes below 0.00001.
gnomAD v4.1: 1 of 1,614,028 alleles (0.000062%); highest among the groups gnomAD compares: East Asian, 0.0022%; no homozygotes.

Submissions (2):

Labcorp Genetics (formerly Invitae), Labcorp
Classification: Uncertain significance for Noonan syndrome 9. Last evaluated: 2025-10-31. Review status: criteria provided, single submitter. Criteria: Invitae Variant Classification Sherloc (09022015). Collection method: clinical testing. Allele origin: germline.
Comment: This sequence change replaces serine, which is neutral and polar, with proline, which is neutral and non-polar, at codon 1049 of the SOS2 protein (p.Ser1049Pro). This variant is not present in population databases (gnomAD no frequency). This missense change has been observed in individual(s) with clinical features of SOS2-related conditions (internal data). ClinVar contains an entry for this variant (Variation ID: 1381662). Invitae Evidence Modeling of protein sequence and biophysical properties (such as structural, functional, and spatial information, amino acid conservation, physicochemical variation, residue mobility, and thermodynamic stability) indicates that this missense variant is not expected to disrupt SOS2 protein function with a negative predictive value of 95%. In summary, the available evidence is currently insufficient to determine the role of this variant in disease. Therefore, it has been classified as a Variant of Uncertain Significance.

Mayo Clinic Laboratories, Mayo Clinic
Classification: Uncertain significance. Last evaluated: 2023-10-17. Review status: criteria provided, single submitter. Criteria: ACMG Guidelines, 2015. Collection method: clinical testing. Allele origin: germline. Observed: 1 variant allele.
Comment: PM2

NM_006939.4(SOS2):c.3145T>C (p.Ser1049Pro)

Gene: SOS2 (SOS Ras/Rho guanine nucleotide exchange factor 2; minus strand). Cytogenetic location: 14q21.3.
Variant type: single nucleotide variant.
Coding change: c.3145T>C on transcript NM_006939.4 (MANE Select); coding-DNA position 3145, T replaced by C.
Protein change: p.Ser1049Pro; replaces serine 1049 with proline.
Molecular consequence: missense variant.
Genome position (GRCh38, 1-based): chr14:50,130,693, A>G on the plus strand (T>C on the coding strand, the complement: SOS2 is on the minus strand). VCF-style: chr14-50130693-A-G. GRCh37 (hg19) VCF-style: chr14-50597411-A-G.
Other names: p.Ser1049Pro; short protein forms S1049P.
Identifiers: ClinVar variation 1381662 (VCV001381662.7), dbSNP rs2139513028, ClinGen allele CA389640896.
Genomic context (GRCh38, chr14:50,130,693, plus strand): 5'-TAAAGCTTATTTTACATGGTTCTCTTTCTAATGGTGTTGGGTGACCTCGTAAAGTACCTG[A>G]GGTAGAGCCATGTCGGCCTGTGTTAGGCCTTATTCCAGGAGATTTTAAGGAAAAAGTTGA-3'
Protein context (NP_008870.2, residues 1039-1059): RPNTGRHGST[Ser1049Pro]GTLRGHPTPL